The following is an entry in ClinVar:

ClinVar aggregate classification (germline): Pathogenic (1 of 4 stars; one submission).

Submission:

Labcorp Genetics (formerly Invitae), Labcorp
Classification: Pathogenic. Last evaluated: 2025-06-11. Review status: criteria provided, single submitter. Criteria: Invitae Variant Classification Sherloc (09022015). Collection method: clinical testing. Allele origin: germline.
Comment: This sequence change creates a premature translational stop signal (p.Pro761Leufs*52) in the TET2 gene. It is expected to result in an absent or disrupted protein product. Loss-of-function variants in TET2 are known to be pathogenic (PMID: 36066697). This variant is not present in population databases (gnomAD no frequency). This variant has not been reported in the literature in individuals affected with TET2-related conditions. For these reasons, this variant has been classified as Pathogenic.

Literature cited by the submitters: PubMed 36066697.

NM_001127208.3(TET2):c.2280del (p.Pro761fs)

Genes: TET2 (tet methylcytosine dioxygenase 2; plus strand), TET2-AS1 (TET2 antisense RNA 1; minus strand). Cytogenetic location: 4q24.
Variant type: Deletion.
Coding change: c.2280del on transcript NM_001127208.3 (MANE Select); coding-DNA position 2280, one base deleted (T; older notation c.2280delT).
Protein change: p.Pro761fs; shifts the reading frame from proline 761.
Molecular consequence: frameshift variant.
Genome position (GRCh38, 1-based): chr4:105,236,222, T deleted; the last of 4 consecutive T bases (chr4:105,236,219-105,236,222); deleting any one gives the same sequence. VCF-style (leftmost placement, unchanged base first): chr4-105236218-CT-C. GRCh37 (hg19) VCF-style: chr4-106157375-CT-C.
Other names: c.2280del, p.Pro761fs (NM_017628.4); short protein forms P761fs.
Identifiers: ClinVar variation 4720624 (VCV004720624.1).